The following is an entry in ClinVar:

NM_000135.4(FANCA):c.1897G>C (p.Glu633Gln)

Gene: FANCA (FA complementation group A; minus strand). Cytogenetic location: 16q24.3.
Variant type: single nucleotide variant.
Coding change: c.1897G>C on transcript NM_000135.4 (MANE Select); coding-DNA position 1897, G replaced by C.
Protein change: p.Glu633Gln; replaces glutamic acid 633 with glutamine.
Molecular consequence: missense variant.
Genome position (GRCh38, 1-based): chr16:89,775,745, C>G on the plus strand (G>C on the coding strand, the complement: FANCA is on the minus strand). VCF-style: chr16-89775745-C-G. GRCh37 (hg19) VCF-style: chr16-89842153-C-G.
Other names: c.1897G>C, p.Glu633Gln (NM_001286167.3); short protein forms E633Q.
Identifiers: ClinVar variation 4254327 (VCV004254327.1).

ClinVar aggregate classification (germline): Uncertain significance (1 of 4 stars; one submission).

Conditions:
Inborn genetic diseases. Identifiers: MedGen C0950123, MeSH D030342.

gnomAD v4.1: 2 of 1,611,346 alleles (0.00012%); highest among the groups gnomAD compares: Non-Finnish European, 0.00017%; no homozygotes.

Submission:

Ambry Genetics
Classification: Uncertain significance for Inborn genetic diseases. Last evaluated: 2025-09-01. Review status: criteria provided, single submitter. Criteria: Ambry Variant Classification Scheme 2023. Collection method: clinical testing. Allele origin: germline.
Comment: The p.E633Q variant (also known as c.1897G>C), located in coding exon 21 of the FANCA gene, results from a G to C substitution at nucleotide position 1897. The glutamic acid at codon 633 is replaced by glutamine, an amino acid with highly similar properties. This amino acid position is conserved. In addition, this alteration is predicted to be tolerated by in silico analysis. Based on the available evidence, the clinical significance of this variant remains unclear.